The following is an entry in ClinVar:

NM_001011.4(RPS7):c.311C>T (p.Pro104Leu)

Gene: RPS7 (ribosomal protein S7; plus strand). Cytogenetic location: 2p25.3.
Variant type: single nucleotide variant.
Coding change: c.311C>T on transcript NM_001011.4 (MANE Select); coding-DNA position 311, C replaced by T.
Protein change: p.Pro104Leu; replaces proline 104 with leucine.
Molecular consequence: missense variant.
Genome position (GRCh38, 1-based): chr2:3,577,729, C>T. VCF-style: chr2-3577729-C-T. GRCh37 (hg19) VCF-style: chr2-3625319-C-T.
Other names: short protein forms P104L.
Identifiers: ClinVar variation 1433829 (VCV001433829.8), dbSNP rs1405342101, ClinGen allele CA345743211.

ClinVar aggregate classification (germline): Uncertain significance (1 of 4 stars; one submission).

Conditions:
Diamond-Blackfan anemia 8 (DBA8). Also called: RPS7-Related Diamond-Blackfan Anemia. Identifiers: Orphanet 124, MedGen C2675511, MONDO:0012939, OMIM 612563.

Submission:

Labcorp Genetics (formerly Invitae), Labcorp
Classification: Uncertain significance for Diamond-Blackfan anemia 8. Last evaluated: 2021-01-06. Review status: criteria provided, single submitter. Criteria: Invitae Variant Classification Sherloc (09022015). Collection method: clinical testing. Allele origin: germline.
Comment: This variant is not present in population databases (ExAC no frequency). This variant has not been reported in the literature in individuals with RPS7-related conditions. Algorithms developed to predict the effect of missense changes on protein structure and function are either unavailable or do not agree on the potential impact of this missense change (SIFT: "Deleterious"; PolyPhen-2: "Benign"; Align-GVGD: "Class C0"). In summary, the available evidence is currently insufficient to determine the role of this variant in disease. Therefore, it has been classified as a Variant of Uncertain Significance. This sequence change replaces proline with leucine at codon 104 of the RPS7 protein (p.Pro104Leu). The proline residue is highly conserved and there is a moderate physicochemical difference between proline and leucine.